The following is an entry in ClinVar:

NM_198578.4(LRRK2):c.5880G>T (p.Gln1960His)

Gene: LRRK2 (leucine rich repeat kinase 2; plus strand). Cytogenetic location: 12q12.
Variant type: single nucleotide variant.
Coding change: c.5880G>T on transcript NM_198578.4 (MANE Select); coding-DNA position 5880, G replaced by T.
Protein change: p.Gln1960His; replaces glutamine 1960 with histidine.
Molecular consequence: missense variant.
Genome position (GRCh38, 1-based): chr12:40,335,089, G>T. VCF-style: chr12-40335089-G-T. GRCh37 (hg19) VCF-style: chr12-40728891-G-T.
Other names: short protein forms Q1960H.
Identifiers: ClinVar variation 1750270 (VCV001750270.2), dbSNP rs1388543844, ClinGen allele CA384402257.
Genomic context (GRCh38, chr12:40,335,089, plus strand): 5'-TCGTCCCCGGATGTTGGTGATGGAGTTAGCCTCCAAGGGTTCCTTGGATCGCCTGCTTCA[G>T]CAGGACAAAGCCAGCCTCACTAGAACCCTACAGCACAGGATTGCACTCCACGTAGCTGAT-3'
Protein context (NP_940980.4, residues 1950-1970): ASKGSLDRLL[Gln1960His]QDKASLTRTL

ClinVar aggregate classification (germline): Uncertain significance (1 of 4 stars; one submission).

Conditions:
Inborn genetic diseases. Identifiers: MedGen C0950123, MeSH D030342.

Submission:

Ambry Genetics
Classification: Uncertain significance for Inborn genetic diseases. Last evaluated: 2022-06-11. Review status: criteria provided, single submitter. Criteria: Ambry Variant Classification Scheme 2023. Collection method: clinical testing. Allele origin: germline.
Comment: The p.Q1960H variant (also known as c.5880G>T), located in coding exon 40 of the LRRK2 gene, results from a G to T substitution at nucleotide position 5880. The glutamine at codon 1960 is replaced by histidine, an amino acid with highly similar properties. This amino acid position is conserved. In addition, this alteration is predicted to be tolerated by in silico analysis. Since supporting evidence is limited at this time, the clinical significance of this alteration remains unclear.